The following is an entry in ClinVar:

ClinVar aggregate classification (germline): Conflicting classifications of pathogenicity. Review status: criteria provided, conflicting classifications (1 of 4 stars). 4 submissions from 4 submitters: Uncertain significance (2); Likely benign (2). Last evaluated 2026-01-12.

Conditions:
Inborn genetic diseases. Identifiers: MedGen C0950123, MeSH D030342.
Nephronophthisis 18 (NPHP18). Identifiers: Orphanet 655, MedGen C3890591, MONDO:0014374, OMIM 615862.

Allele frequency attached by ClinVar (database versions not stated): 1000 Genomes Project 0.00040; TOPMed 0.00040; ESP Exome Variant Server 0.00042; gnomAD 0.00042 and 0.00044; 1000 Genomes Project 30x 0.00047; gnomAD exomes 0.00064 and 0.00079; ExAC 0.00076.
gnomAD v4.1: 1,203 of 1,612,634 alleles (0.075%); highest among the groups gnomAD compares: Non-Finnish European, 0.095%; 1 homozygote.

Submissions (4):

Labcorp Genetics (formerly Invitae), Labcorp
Classification: Uncertain significance for Nephronophthisis 18. Last evaluated: 2026-01-12. Review status: criteria provided, single submitter. Criteria: Invitae Variant Classification Sherloc (09022015). Collection method: clinical testing. Allele origin: germline.
Comment: This sequence change replaces glycine, which is neutral and non-polar, with serine, which is neutral and polar, at codon 26 of the CEP83 protein (p.Gly26Ser). This variant is present in population databases (rs199871798, gnomAD 0.1%), and has an allele count higher than expected for a pathogenic variant. This variant has not been reported in the literature in individuals affected with CEP83-related conditions. ClinVar contains an entry for this variant (Variation ID: 847315). Invitae Evidence Modeling of protein sequence and biophysical properties (such as structural, functional, and spatial information, amino acid conservation, physicochemical variation, residue mobility, and thermodynamic stability) indicates that this missense variant is not expected to disrupt CEP83 protein function with a negative predictive value of 80%. In summary, the available evidence is currently insufficient to determine the role of this variant in disease. Therefore, it has been classified as a Variant of Uncertain Significance.

Ambry Genetics
Classification: Likely benign for Inborn genetic diseases. Last evaluated: 2025-08-02. Review status: criteria provided, single submitter. Criteria: Ambry Variant Classification Scheme 2023. Collection method: clinical testing. Allele origin: germline.

Blueprint Genetics
Classification: Likely benign. Last evaluated: 2024-11-20. Review status: criteria provided, single submitter. Criteria: ACMG Guidelines, 2015. Collection method: clinical testing. Allele origin: germline.

Breakthrough Genomics
Classification: Uncertain significance. Review status: criteria provided, single submitter. Criteria: ACMG Guidelines, 2015. Collection method: not provided. Allele origin: germline. Inheritance: Autosomal recessive inheritance. Affected: yes.

NM_016122.3(CEP83):c.76G>A (p.Gly26Ser)

Gene: CEP83 (centrosomal protein 83; minus strand). Cytogenetic location: 12q22.
Variant type: single nucleotide variant.
Coding change: c.76G>A on transcript NM_016122.3 (MANE Select); coding-DNA position 76, G replaced by A.
Protein change: p.Gly26Ser; replaces glycine 26 with serine.
Molecular consequence: missense variant. On other transcripts: non-coding transcript variant (1), intron variant (6).
Genome position (GRCh38, 1-based): chr12:94,412,415, C>T on the plus strand (G>A on the coding strand, the complement: CEP83 is on the minus strand). VCF-style: chr12-94412415-C-T. GRCh37 (hg19) VCF-style: chr12-94806191-C-T.
Other names: c.76G>A, p.Gly26Ser (NM_001042399.2, NM_001346457.2, NM_001346460.2 and 4 more transcripts); c.-140+102G>A (NM_001346459.2, NM_001346458.2, NM_001368040.1 and 3 more transcripts); short protein forms G26S.
Identifiers: ClinVar variation 847315 (VCV000847315.9), dbSNP rs199871798, ClinGen allele CA6722045.